The following is an entry in ClinVar:

ClinVar aggregate classification (germline): Uncertain significance. Review status: criteria provided, multiple submitters, no conflicts (2 of 4 stars). 2 submissions from 2 submitters: Uncertain significance (2). Last evaluated 2022-02-22.

Submissions (2):

Labcorp Genetics (formerly Invitae), Labcorp
Classification: Uncertain significance. Last evaluated: 2022-02-22. Review status: criteria provided, single submitter. Criteria: Invitae Variant Classification Sherloc (09022015). Collection method: clinical testing. Allele origin: germline.
Comment: Algorithms developed to predict the effect of missense changes on protein structure and function are either unavailable or do not agree on the potential impact of this missense change (SIFT: "Deleterious"; PolyPhen-2: "Probably Damaging"; Align-GVGD: "Class C0"). In summary, the available evidence is currently insufficient to determine the role of this variant in disease. Therefore, it has been classified as a Variant of Uncertain Significance. This variant has not been reported in the literature in individuals affected with SNRNP200-related conditions. This variant is not present in population databases (gnomAD no frequency). This sequence change replaces valine, which is neutral and non-polar, with methionine, which is neutral and non-polar, at codon 683 of the SNRNP200 protein (p.Val683Met).

Blueprint Genetics
Classification: Uncertain significance. Last evaluated: 2021-12-01. Review status: criteria provided, single submitter. Criteria: ACMG Guidelines, 2015. Collection method: clinical testing. Allele origin: germline.

NM_014014.5(SNRNP200):c.2047G>A (p.Val683Met)

Gene: SNRNP200 (small nuclear ribonucleoprotein U5 subunit 200; minus strand). Cytogenetic location: 2q11.2.
Variant type: single nucleotide variant.
Coding change: c.2047G>A on transcript NM_014014.5 (MANE Select); coding-DNA position 2047, G replaced by A.
Protein change: p.Val683Met; replaces valine 683 with methionine.
Molecular consequence: missense variant.
Genome position (GRCh38, 1-based): chr2:96,293,085, C>T on the plus strand (G>A on the coding strand, the complement: SNRNP200 is on the minus strand). VCF-style: chr2-96293085-C-T. GRCh37 (hg19) VCF-style: chr2-96958823-C-T.
Other names: short protein forms V683M.
Identifiers: ClinVar variation 2101532 (VCV002101532.5), dbSNP rs527236114, ClinGen allele CA347679533.
Genomic context (GRCh38, chr2:96,293,085, plus strand): 5'-TCTGGAAACGCTTGATAGCTTTTTTCTCTGTGATACCCACATATGTCTGTTCCAGAGGCA[C>T]TGGACGGAAGCTAGAAGTTCAACAGTTAGACAAATGAGGCTTTGGCAGAAAATACTGTGG-3'
Protein context (NP_054733.2, residues 673-693): LFYFDNSFRP[Val683Met]PLEQTYVGIT